The following is an entry in ClinVar:

ClinVar aggregate classification (germline): Uncertain significance (1 of 4 stars; one submission).

Allele frequency attached by ClinVar (database versions not stated): gnomAD exomes below 0.00001.
gnomAD v4.1: 2 of 1,613,766 alleles (0.00012%); highest among the groups gnomAD compares: Middle Eastern, 0.016%; no homozygotes.

Submission:

Labcorp Genetics (formerly Invitae), Labcorp
Classification: Uncertain significance. Last evaluated: 2026-01-27. Review status: criteria provided, single submitter. Criteria: Invitae Variant Classification Sherloc (09022015). Collection method: clinical testing. Allele origin: germline.
Comment: This sequence change replaces leucine, which is neutral and non-polar, with serine, which is neutral and polar, at codon 3202 of the PCLO protein (p.Leu3202Ser). This variant is not present in population databases (gnomAD no frequency). This variant has not been reported in the literature in individuals affected with PCLO-related conditions. ClinVar contains an entry for this variant (Variation ID: 1934588). Experimental studies and prediction algorithms are not available or were not evaluated, and the functional significance of this variant is currently unknown. In summary, the available evidence is currently insufficient to determine the role of this variant in disease. Therefore, it has been classified as a Variant of Uncertain Significance.

NM_033026.6(PCLO):c.9605T>C (p.Leu3202Ser)

Gene: PCLO (piccolo presynaptic cytomatrix protein; minus strand). Cytogenetic location: 7q21.11.
Variant type: single nucleotide variant.
Coding change: c.9605T>C on transcript NM_033026.6 (MANE Select); coding-DNA position 9605, T replaced by C.
Protein change: p.Leu3202Ser; replaces leucine 3202 with serine.
Molecular consequence: missense variant.
Genome position (GRCh38, 1-based): chr7:82,950,983, A>G on the plus strand (T>C on the coding strand, the complement: PCLO is on the minus strand). VCF-style: chr7-82950983-A-G. GRCh37 (hg19) VCF-style: chr7-82580299-A-G.
Other names: c.9605T>C, p.Leu3202Ser (NM_014510.3); short protein forms L3202S.
Identifiers: ClinVar variation 1934588 (VCV001934588.5), dbSNP rs1275355634, ClinGen allele CA367907960.
Genomic context (GRCh38, chr7:82,950,983, plus strand): 5'-TCCAGGAGCTCACGCTCCAAGTCTAGCTGCTGCTGTTGTTTATCTTCTTCAGGGACAATT[A>G]AAAGAGCACTTTCATCTCCCACCACTTCAGGAAACACTTCGGATGCTGTGGTTAAAGTGG-3'
Protein context (NP_149015.2, residues 3192-3212): PEVVGDESAL[Leu3202Ser]IVPEEDKQQQ